The following is an entry in ClinVar:

ClinVar aggregate classification (germline): Uncertain significance (1 of 4 stars; one submission).

gnomAD v4.1: 1 of 1,582,464 alleles (0.000063%); highest among the groups gnomAD compares: African/African-American, 0.0014%; no homozygotes.

Submission:

GeneDx
Classification: Uncertain significance. Last evaluated: 2023-11-18. Review status: criteria provided, single submitter. Criteria: GeneDx Variant Classification Process June 2021. Collection method: clinical testing. Allele origin: germline. Affected: yes.
Comment: Not observed at significant frequency in large population cohorts (gnomAD); In silico analysis supports that this missense variant has a deleterious effect on protein structure/function; Has not been previously published as pathogenic or benign to our knowledge

NM_207111.4(RNF216):c.17A>G (p.Asn6Ser)

Gene: RNF216 (ring finger protein 216; minus strand). Cytogenetic location: 7p22.1.
Variant type: single nucleotide variant.
Coding change: c.17A>G on transcript NM_207111.4 (MANE Select); coding-DNA position 17, A replaced by G.
Protein change: p.Asn6Ser; replaces asparagine 6 with serine.
Molecular consequence: missense variant.
Genome position (GRCh38, 1-based): chr7:5,761,053, T>C on the plus strand (A>G on the coding strand, the complement: RNF216 is on the minus strand). VCF-style: chr7-5761053-T-C. GRCh37 (hg19) VCF-style: chr7-5800684-T-C.
Other names: c.17A>G, p.Asn6Ser (NM_001377156.1, NM_207116.3); short protein forms N6S.
Identifiers: ClinVar variation 3364427 (VCV003364427.1).